The following is an entry in ClinVar:

NM_006445.4(PRPF8):c.1423T>C (p.Ser475Pro)

Gene: PRPF8 (pre-mRNA processing factor 8; minus strand). Cytogenetic location: 17p13.3.
Variant type: single nucleotide variant.
Coding change: c.1423T>C on transcript NM_006445.4 (MANE Select); coding-DNA position 1423, T replaced by C.
Protein change: p.Ser475Pro; replaces serine 475 with proline.
Molecular consequence: missense variant.
Genome position (GRCh38, 1-based): chr17:1,679,193, A>G on the plus strand (T>C on the coding strand, the complement: PRPF8 is on the minus strand). VCF-style: chr17-1679193-A-G. GRCh37 (hg19) VCF-style: chr17-1582487-A-G.
Other names: short protein forms S475P.
Identifiers: ClinVar variation 2697537 (VCV002697537.3), dbSNP rs2543775392, ClinGen allele CA397561630.

ClinVar aggregate classification (germline): Uncertain significance (1 of 4 stars; one submission).

Submission:

Labcorp Genetics (formerly Invitae), Labcorp
Classification: Uncertain significance. Last evaluated: 2023-11-20. Review status: criteria provided, single submitter. Criteria: Invitae Variant Classification Sherloc (09022015). Collection method: clinical testing. Allele origin: germline.
Comment: This sequence change replaces serine, which is neutral and polar, with proline, which is neutral and non-polar, at codon 475 of the PRPF8 protein (p.Ser475Pro). This variant is not present in population databases (gnomAD no frequency). This variant has not been reported in the literature in individuals affected with PRPF8-related conditions. Advanced modeling of protein sequence and biophysical properties (such as structural, functional, and spatial information, amino acid conservation, physicochemical variation, residue mobility, and thermodynamic stability) performed at Invitae indicates that this missense variant is not expected to disrupt PRPF8 protein function with a negative predictive value of 80%. In summary, the available evidence is currently insufficient to determine the role of this variant in disease. Therefore, it has been classified as a Variant of Uncertain Significance.